The following is an entry in ClinVar:

NM_001165963.4(SCN1A):c.2443_2445del (p.Met815del)

Gene: SCN1A (sodium voltage-gated channel alpha subunit 1; minus strand). Cytogenetic location: 2q24.3.
Variant type: Deletion.
Coding change: c.2443_2445del on transcript NM_001165963.4 (MANE Select); coding-DNA positions 2443 to 2445, 3 bases deleted (ATG; older notation c.2443_2445delATG).
Protein change: p.Met815del; deletes methionine 815.
Molecular consequence: inframe deletion. On other transcripts: initiator codon variant (1), non-coding transcript variant (1).
Genome position (GRCh38, 1-based): chr2:166,039,567-166,039,569, CAT deleted on the plus strand (ATG on the coding strand, the reverse complement: SCN1A is on the minus strand). VCF-style (leftmost placement, unchanged base first): chr2-166039566-ACAT-A. GRCh37 (hg19) VCF-style: chr2-166896076-ACAT-A.
Other names: c.2359_2361del, p.Met787del (NM_001165964.3, NM_001353957.2, NM_001353958.2); c.2443_2445del, p.Met815del (NM_001202435.3, NM_001353948.2); c.2410_2412del, p.Met804del (NM_001353949.2, NM_001353950.2, NM_001353951.2 and 2 more transcripts); c.2407_2409del, p.Met803del (NM_001353954.2, NM_001353955.2); c.2356_2358del, p.Met786del (NM_001353960.2); c.1_3del, p.Met1del (NM_001353961.2); short protein forms M1del, M786del, M787del, M803del, M804del, M815del.
Identifiers: ClinVar variation 1002567 (VCV001002567.10), dbSNP rs1696886277, ClinGen allele CA1304858210.

ClinVar aggregate classification (germline): Uncertain significance (1 of 4 stars; one submission).

Conditions:
Early-infantile DEE. Also called: Early infantile epileptic encephalopathy with suppression bursts; Ohtahara syndrome; Early infantile epileptic encephalopathy. Identifiers: Orphanet 1934, MedGen C0393706, MONDO:0800491.

Submission:

Labcorp Genetics (formerly Invitae), Labcorp
Classification: Uncertain significance for Early-infantile DEE. Last evaluated: 2020-01-13. Review status: criteria provided, single submitter. Criteria: Invitae Variant Classification Sherloc (09022015). Collection method: clinical testing. Allele origin: germline.
Comment: Experimental studies and prediction algorithms are not available or were not evaluated, and the functional significance of this variant is currently unknown. In summary, the available evidence is currently insufficient to determine the role of this variant in disease. Therefore, it has been classified as a Variant of Uncertain Significance. This variant has not been reported in the literature in individuals with SCN1A-related conditions. This variant is not present in population databases (ExAC no frequency). This variant, c.2443_2445del, results in the deletion of 1 amino acid(s) of the SCN1A protein (p.Met815del), but otherwise preserves the integrity of the reading frame.